The following is an entry in ClinVar:

NM_018344.6(SLC29A3):c.1004A>G (p.Lys335Arg)

Gene: SLC29A3 (solute carrier family 29 member 3; plus strand). Cytogenetic location: 10q22.1.
Variant type: single nucleotide variant.
Coding change: c.1004A>G on transcript NM_018344.6 (MANE Select); coding-DNA position 1004, A replaced by G.
Protein change: p.Lys335Arg; replaces lysine 335 with arginine.
Molecular consequence: missense variant. On other transcripts: 3 prime UTR variant (1), non-coding transcript variant (2).
Genome position (GRCh38, 1-based): chr10:71,362,184, A>G. VCF-style: chr10-71362184-A-G. GRCh37 (hg19) VCF-style: chr10-73121941-A-G.
Other names: c.*233A>G (NM_001174098.2); c.770A>G, p.Lys257Arg (NM_001363518.2); short protein forms K335R, K257R.
Identifiers: ClinVar variation 2089816 (VCV002089816.4), dbSNP rs2492505232, ClinGen allele CA377115500.
Genomic context (GRCh38, chr10:71,362,184, plus strand): 5'-TCTTCTTCATCACCAGCCTCATCTACCCCGCCATCTGCACCAACATCGAGTCCCTCAACA[A>G]GGGTTCGGGCTCACTGTGGACCACCAAGTTTTTCATCCCCCTCACTACCTTCCTCCTGTA-3'
Protein context (NP_060814.4, residues 325-345): AICTNIESLN[Lys335Arg]GSGSLWTTKF

ClinVar aggregate classification (germline): Uncertain significance (1 of 4 stars; one submission).

Conditions:
H syndrome. Also called: Histiocytosis with joint contractures and sensorineural deafness; FAISALABAD HISTIOCYTOSIS; HISTIOCYTOSIS AND LYMPHADENOPATHY WITH OR WITHOUT CUTANEOUS, CARDIAC, AND/OR ENDOCRINE FEATURES, JOINT CONTRACTURES, AND/OR DEAFNESS; HYPERPIGMENTATION, CUTANEOUS, WITH HYPERTRICHOSIS, HEPATOSPLENOMEGALY, HEART ANOMALIES, AND HYPOGONADISM WITH OR WITHOUT HEARING LOSS; PIGMENTED HYPERTRICHOSIS WITH INSULIN-DEPENDENT DIABETES MELLITUS; ROSAI-DORFMAN DISEASE, FAMILIAL. Identifiers: Orphanet 168569, MedGen C1864445, MONDO:0011273, OMIM 602782.

Submission:

Labcorp Genetics (formerly Invitae), Labcorp
Classification: Uncertain significance for H syndrome. Last evaluated: 2024-02-24. Review status: criteria provided, single submitter. Criteria: Invitae Variant Classification Sherloc (09022015). Collection method: clinical testing. Allele origin: germline.
Comment: This sequence change replaces lysine, which is basic and polar, with arginine, which is basic and polar, at codon 335 of the SLC29A3 protein (p.Lys335Arg). This variant is not present in population databases (gnomAD no frequency). This variant has not been reported in the literature in individuals affected with SLC29A3-related conditions. ClinVar contains an entry for this variant (Variation ID: 2089816). Advanced modeling of protein sequence and biophysical properties (such as structural, functional, and spatial information, amino acid conservation, physicochemical variation, residue mobility, and thermodynamic stability) performed at Invitae indicates that this missense variant is not expected to disrupt SLC29A3 protein function with a negative predictive value of 80%. In summary, the available evidence is currently insufficient to determine the role of this variant in disease. Therefore, it has been classified as a Variant of Uncertain Significance.